The following is an entry in ClinVar:

NM_000350.3(ABCA4):c.3913G>A (p.Gly1305Ser)

Gene: ABCA4 (ATP binding cassette subfamily A member 4; minus strand). Cytogenetic location: 1p22.1.
Variant type: single nucleotide variant.
Coding change: c.3913G>A on transcript NM_000350.3 (MANE Select); coding-DNA position 3913, G replaced by A.
Protein change: p.Gly1305Ser; replaces glycine 1305 with serine.
Molecular consequence: missense variant.
Genome position (GRCh38, 1-based): chr1:94,031,993, C>T on the plus strand (G>A on the coding strand, the complement: ABCA4 is on the minus strand). VCF-style: chr1-94031993-C-T. GRCh37 (hg19) VCF-style: chr1-94497549-C-T.
Other names: c.3691G>A, p.Gly1231Ser (NM_001425324.1); short protein forms G1305S, G1231S.
Identifiers: ClinVar variation 959487 (VCV000959487.7), dbSNP rs1660219342, ClinGen allele CA341287771.

ClinVar aggregate classification (germline): Uncertain significance (1 of 4 stars; one submission).

Allele frequency attached by ClinVar (database versions not stated): gnomAD 0.00001.
gnomAD v4.1: 3 of 1,613,680 alleles (0.00019%); highest among the groups gnomAD compares: Admixed American, 0.0017%; no homozygotes.

Submission:

Labcorp Genetics (formerly Invitae), Labcorp
Classification: Uncertain significance. Last evaluated: 2021-08-31. Review status: criteria provided, single submitter. Criteria: Invitae Variant Classification Sherloc (09022015). Collection method: clinical testing. Allele origin: germline.
Comment: This sequence change replaces glycine with serine at codon 1305 of the ABCA4 protein (p.Gly1305Ser). The glycine residue is weakly conserved and there is a small physicochemical difference between glycine and serine. This variant is not present in population databases (ExAC no frequency). This variant has not been reported in the literature in individuals affected with ABCA4-related conditions. Algorithms developed to predict the effect of missense changes on protein structure and function output the following: SIFT: "Tolerated"; PolyPhen-2: "Benign"; Align-GVGD: "Class C0". The serine amino acid residue is found in multiple mammalian species, which suggests that this missense change does not adversely affect protein function. In summary, the available evidence is currently insufficient to determine the role of this variant in disease. Therefore, it has been classified as a Variant of Uncertain Significance.